The following is an entry in ClinVar:

ClinVar aggregate classification (germline): Uncertain significance (1 of 4 stars; one submission).

Allele frequency attached by ClinVar (database versions not stated): gnomAD exomes below 0.00001; TOPMed below 0.00001.
gnomAD v4.1: 1 of 1,613,034 alleles (0.000062%); highest among the groups gnomAD compares: Admixed American, 0.0017%; no homozygotes.

Submission:

Labcorp Genetics (formerly Invitae), Labcorp
Classification: Uncertain significance. Last evaluated: 2023-12-12. Review status: criteria provided, single submitter. Criteria: Invitae Variant Classification Sherloc (09022015). Collection method: clinical testing. Allele origin: germline.
Comment: This sequence change replaces serine, which is neutral and polar, with phenylalanine, which is neutral and non-polar, at codon 227 of the GATAD2B protein (p.Ser227Phe). This variant is present in population databases (no rsID available, gnomAD 0.003%). This variant has not been reported in the literature in individuals affected with GATAD2B-related conditions. Advanced modeling of protein sequence and biophysical properties (such as structural, functional, and spatial information, amino acid conservation, physicochemical variation, residue mobility, and thermodynamic stability) performed at Invitae indicates that this missense variant is not expected to disrupt GATAD2B protein function with a negative predictive value of 80%. In summary, the available evidence is currently insufficient to determine the role of this variant in disease. Therefore, it has been classified as a Variant of Uncertain Significance.

NM_020699.4(GATAD2B):c.680C>T (p.Ser227Phe)

Gene: GATAD2B (GATA zinc finger domain containing 2B; minus strand). Cytogenetic location: 1q21.3.
Variant type: single nucleotide variant.
Coding change: c.680C>T on transcript NM_020699.4 (MANE Select); coding-DNA position 680, C replaced by T.
Protein change: p.Ser227Phe; replaces serine 227 with phenylalanine.
Molecular consequence: missense variant.
Genome position (GRCh38, 1-based): chr1:153,818,089, G>A on the plus strand (C>T on the coding strand, the complement: GATAD2B is on the minus strand). VCF-style: chr1-153818089-G-A. GRCh37 (hg19) VCF-style: chr1-153790565-G-A.
Other names: short protein forms S227F.
Identifiers: ClinVar variation 2790264 (VCV002790264.3), dbSNP rs1355478268, ClinGen allele CA342531751.
Genomic context (GRCh38, chr1:153,818,089, plus strand): 5'-GGGTCACATACCTGTAATGTTCTCAAATTTTGAGGTTCAACCCCTTGGGCCCCAGGCCGA[G>A]AGGGAAGCTTAGATAGGCCCTGCTGTCCCACATGGGCAGGAGATGGCTGAACAATAGATG-3'
Protein context (NP_065750.1, residues 217-237): VGQQGLSKLP[Ser227Phe]RPGAQGVEPQ